The following is an entry in ClinVar:

ClinVar aggregate classification (germline): Pathogenic/Likely pathogenic. Review status: criteria provided, multiple submitters, no conflicts (2 of 4 stars). 16 submissions from 16 submitters: Pathogenic (4); Likely pathogenic (7). 5 of the submissions do not count toward it. Last evaluated 2026-01-19.

Conditions:
Familial Mediterranean fever (FMF). Also called: Periodic peritonitis; Benign paroxysmal peritonitis; POLYSEROSITIS, FAMILIAL PAROXYSMAL; POLYSEROSITIS, RECURRENT. Identifiers: Orphanet 342, MedGen C0031069, MONDO:0018088, OMIM 249100. Disease mechanism: gain of function.
Familial Mediterranean fever, autosomal dominant. Also called: FMF, AUTOSOMAL DOMINANT; Dominant Familial Mediterranean Fever. Identifiers: Orphanet 342, MedGen C1851347, MONDO:0007601, OMIM 134610.
Acute febrile neutrophilic dermatosis (AFND). Also called: Sweet Syndrome; Gomm Button disease. Identifiers: Orphanet 3243, MedGen C0085077, MONDO:0011959, OMIM 608068.

Allele frequency attached by ClinVar (database versions not stated): TOPMed 0.00006; gnomAD 0.00008 and 0.00007; 1000 Genomes Project 30x 0.00031; 1000 Genomes Project 0.00020; gnomAD exomes 0.00003; ExAC 0.00005.
gnomAD v4.1: 45 of 1,613,848 alleles (0.0028%); highest among the groups gnomAD compares: Middle Eastern, 0.066%; no homozygotes.

Submissions (16):

Labcorp Genetics (formerly Invitae), Labcorp
Classification: Likely pathogenic for Familial Mediterranean fever. Last evaluated: 2026-01-19. Review status: criteria provided, single submitter. Criteria: Invitae Variant Classification Sherloc (09022015). Collection method: clinical testing. Allele origin: germline.
Comment: This sequence change replaces arginine, which is basic and polar, with histidine, which is basic and polar, at codon 653 of the MEFV protein (p.Arg653His). This variant is present in population databases (rs104895085, gnomAD 0.01%). This missense change has been observed in individual(s) with familial Mediterranean fever (PMID: 11470495, 16378925, 19479870, 21413889, 24469716, 29159471, 31989427, 39042260; internal data). In at least one individual the data is consistent with being in trans (on the opposite chromosome) from a pathogenic variant. ClinVar contains an entry for this variant (Variation ID: 2553). An algorithm developed to predict the effect of missense changes on protein structure and function outputs the following: PolyPhen-2: "Benign". The histidine amino acid residue is found in multiple mammalian species, which suggests that this missense change does not adversely affect protein function. In summary, the currently available evidence indicates that the variant is pathogenic, but additional data are needed to prove that conclusively. Therefore, this variant has been classified as Likely Pathogenic.

GeneDx
Classification: Likely pathogenic. Last evaluated: 2025-12-16. Review status: criteria provided, single submitter. Criteria: GeneDx Variant Classification Process June 2021. Collection method: clinical testing. Allele origin: germline. Affected: yes.
Comment: In silico analysis suggests that this missense variant does not alter protein structure/function; This variant is associated with the following publications: (PMID: 19479870, 16378925, 26620106, 23633568, 15951859, 11242116, 11470495, 22975760, 23588594, 17938136, 24469716, 26299986, 11464238, 34426522, 31589614, 19302049)

Natera, Inc.
Classification: Likely pathogenic for Familial Mediterranean fever. Last evaluated: 2025-11-21. Review status: criteria provided, single submitter. Criteria: Natera Variant Classification Schema (03/2026). Collection method: clinical testing. Allele origin: germline.
Comment: The c.1958G>A variant in MEFV is a missense variant predicted to cause substitution of arginine to histidine at amino acid 653. This variant is rare in the general population with a frequency below the threshold expected for the associated phenotype(s). This variant has been observed in one or more individuals affected with the associated recessive disease, as either homozygous or compound heterozygous with a second variant (PMID: 40252570, 39042260, 37496121, 23588594, 15140375, 11470495, 39387426). This variant has been observed in affected individual(s) with monoallelic occurrence (heterozygous/hemizygous) (PMID: 39042260, 17938136, 16378925, 39581688, 19479870). Multiple computational prediction algorithms suggest this variant is unlikely to affect gene or protein function. Given the available evidence, this variant is classified as Likely Pathogenic.

Genomic Medicine Center of Excellence, King Faisal Specialist Hospital and Research Centre
Classification: Pathogenic for Familial Mediterranean fever. Last evaluated: 2025-09-10. Review status: criteria provided, single submitter. Criteria: ACMG Guidelines, 2015. Collection method: clinical testing. Allele origin: germline.

ARUP Laboratories, Molecular Genetics and Genomics, ARUP Laboratories
Classification: Likely pathogenic. Last evaluated: 2024-12-09. Review status: criteria provided, single submitter. Criteria: ARUP Molecular Germline Variant Investigation Process 2024. Collection method: clinical testing. Allele origin: germline.
Comment: The MEFV c.1958G>A; p.Arg653His variant (rs104895085) has been described in the heterozygous state in several individuals with a clinical diagnosis of familial Mediterranean fever and at least once in the compound heterozygous state in an individual with an additional pathogenic variant (Berdeli 2011, Botty 2009, Comak 2013, Jeske 2013, Oztuzcu 2014, Schaner 2001, Shinar 2007, Timmann 2001). The variant is reported in the ClinVar database (Variation ID: 2553) and is listed in the general population with an overall allele frequency of 0.0035% (10/282,580 alleles) in the Genome Aggregation Database. The arginine at codon 653 occurs in the SPRY domain, is weakly conserved, computational analyses are uncertain whether this variant is neutral or deleterious (REVEL: 0.337). However, most pathogenic MEFV variants occur in the SPRY domain (Manukyan 2016). Based on available information, this variant is classified as likely pathogenic. References: Berdeli A et al. Comprehensive analysis of a large-scale screen for MEFV gene mutations: do they truly provide a "heterozygote advantage" in Turkey? Genet Test Mol Biomarkers. 2011 Jul-Aug;15(7-8):475-82. Booty MG et al. Familial Mediterranean fever with a single MEFV mutation: where is the second hit? Arthritis Rheum. 2009 Jun;60(6):1851-61. Comak E et al. MEFV gene mutations in Turkish children with juvenile idiopathic arthritis. Eur J Pediatr. 2013 Aug;172(8):1061-7. Jeske M et al. Genotype-phenotype and genotype-origin correlations in children with mediterranean fever in Germany - an AID-net study. Klin Padiatr. 2013 Nov;225(6):325-30 Manukyan G and Aminov R Update on Pyrin Functions and Mechanisms of Familial Mediterranean Fever. Front. Microbiol. 2016 7:456. Oztuzcu S et al. Screening of common and novel familial mediterranean fever mutations in south-east part of Turkey. Mol Biol Rep. 2014;41(4):2601-7. Schaner P et al. Episodic evolution of pyrin in primates: human mutations recapitulate ancestral amino acid states. Nat Genet. 2001 Mar;27(3):318-21. Shinar Y et al. Unique spectrum of MEFV mutations in Iranian Jewish FMF patients--clinical and demographic significance. Rheumatology (Oxford). 2007 Nov;46(11):1718-22. Timmann C et al. Two novel mutations R653H and E230K in the Mediterranean fever gene associated with disease. Mutat Res. 2001 Aug 8;479(1-2):235-9.

Baylor Genetics
Classification: Likely pathogenic for Familial Mediterranean fever, autosomal dominant. Last evaluated: 2024-03-29. Review status: criteria provided, single submitter. Criteria: ACMG Guidelines, 2015. Collection method: clinical testing. Allele origin: unknown.

Fulgent Genetics
Classification: Likely pathogenic for Familial Mediterranean fever, autosomal dominant; Familial Mediterranean fever; Acute febrile neutrophilic dermatosis. Last evaluated: 2024-01-23. Review status: criteria provided, single submitter. Criteria: ACMG Guidelines, 2015. Collection method: clinical testing. Allele origin: germline.

Intergen Genetics and Rare Diseases Diagnosis Center
Classification: Pathogenic for Familial Mediterranean fever. Last evaluated: 2023-06-08. Review status: criteria provided, single submitter. Criteria: ACMG Guidelines, 2015. Collection method: clinical testing. Allele origin: unknown.

Clinical Genetics and Genomics, Karolinska University Hospital
Classification: Likely pathogenic. Last evaluated: 2019-12-12. Review status: criteria provided, single submitter. Criteria: ACMG Guidelines, 2015. Collection method: clinical testing. Allele origin: germline. Affected: yes. Observed: 1 variant allele.

Women's Health and Genetics/Laboratory Corporation of America, LabCorp
Classification: Pathogenic for Familial Mediterranean fever. Last evaluated: 2017-02-23. Review status: criteria provided, single submitter. Criteria: LabCorp Variant Classification Summary - May 2015. Collection method: clinical testing. Allele origin: germline.
Comment: Variant summary: The MEFV c.1958G>A (p.Arg653His) variant located in the SPRY domain (via InterPro) involves the alteration of a non-conserved nucleotide, which 2/3 in silico tools (SNPs&GO and Mutation Taster not captured due to low reliability index and p-value, respectively) predict a benign outcome for this variant, although these predictions have yet to be functionally assessed. This variant was found in 6/121204 control chromosomes at a frequency of 0.0000495, which does not exceed the estimated maximal expected allele frequency of a pathogenic MEFV variant (0.0216506). Multiple publications have cited the variant in affected individuals in whom a second mutation not identified. Of note, this variant was reported in one affected individual who met the Tel-Hashomer criteria for a diagnosis of MEFV as a compound heterozygote along with p.M694V. The unaffected mother and brother were carriers for the variant of interest. In addition, Booty_2009 reports a clinically diagnosed FMF affected sib-pair that each carry only the variant of interest following a comprehensive search for a second mutation in the MEFV gene. In addition, multiple clinical diagnostic laboratories/reputable databases classified this variant as pathogenic. Taken together, although no in-vitro or in-vivo functional studies supporting a damaging outcome for this variant have been reported, the ascertained evidence has been weighted to classify this variant as Pathogenic.

Eurofins Ntd Llc (ga)
Classification: Pathogenic. Last evaluated: 2014-10-14. Review status: criteria provided, single submitter. Criteria: EGL Classification Definitions 2015. Collection method: clinical testing. Allele origin: germline.

Counsyl
Classification: Likely pathogenic for Familial Mediterranean fever. Last evaluated: 2019-03-15. Review status: no assertion criteria provided. Collection method: clinical testing. Allele origin: unknown. Not counted in ClinVar's aggregate classification.

OMIM
Classification: Pathogenic for FAMILIAL MEDITERRANEAN FEVER. Last evaluated: 2001-03-01. Review status: no assertion criteria provided. Collection method: literature only. Allele origin: germline. Not counted in ClinVar's aggregate classification.

GeneReviews
No classification provided. Condition: Familial Mediterranean fever. Review status: no classification provided. Collection method: literature only. Allele origin: germline. Affected: yes. Not counted in ClinVar's aggregate classification.

Unité médicale des maladies autoinflammatoires, CHRU Montpellier
No classification provided. Condition: Familial Mediterranean fever. Review status: no classification provided. Collection method: not provided. Allele origin: unknown. Not counted in ClinVar's aggregate classification.

Mendelics
Classification: Uncertain significance for Familial Mediterranean fever. Last evaluated: 2019-05-28. Review status: flagged submission. Criteria: Mendelics Assertion Criteria 2017. Collection method: clinical testing. Allele origin: unknown. Not counted in ClinVar's aggregate classification.
ClinVar note: Reason: Outlier claim with insufficient supporting evidence

Literature cited by the submitters: PubMed 11470495 (cited by 4 submitters); PubMed 16378925 (cited by 3 submitters); PubMed 19479870 (cited by 4 submitters); PubMed 21413889 (cited by 3 submitters); PubMed 24469716 (cited by Labcorp Genetics (formerly Invitae), Labcorp and Counsyl); PubMed 29159471 (cited by Labcorp Genetics (formerly Invitae), Labcorp); PubMed 31989427 (cited by Labcorp Genetics (formerly Invitae), Labcorp); PubMed 39042260 (cited by Labcorp Genetics (formerly Invitae), Labcorp and Natera, Inc.); PubMed 40252570 (cited by Natera, Inc.); PubMed 37496121 (cited by Natera, Inc.); PubMed 23588594 (cited by Natera, Inc.); PubMed 15140375 (cited by Natera, Inc.); PubMed 39387426 (cited by Natera, Inc.); PubMed 17938136 (cited by Natera, Inc. and Counsyl); PubMed 39581688 (cited by Natera, Inc.); PubMed 24158885 (cited by Women's Health and Genetics/Laboratory Corporation of America, LabCorp and Counsyl); PubMed 26620106 (cited by Women's Health and Genetics/Laboratory Corporation of America, LabCorp and Counsyl); PubMed 15951859 (cited by Counsyl); PubMed 11242116 (cited by Counsyl and OMIM); PubMed 17665427 (cited by Counsyl); PubMed 23633568 (cited by Counsyl); NCBI Bookshelf NBK1227 (cited by GeneReviews).

NM_000243.3(MEFV):c.1958G>A (p.Arg653His)

Genes: MEFV (MEFV innate immunity regulator, pyrin; minus strand), LOC126862264 (CDK7 strongly-dependent group 2 enhancer GRCh37_chr16:3293322-3294521; plus strand). Cytogenetic location: 16p13.3.
Variant type: single nucleotide variant.
Coding change: c.1958G>A on transcript NM_000243.3 (MANE Select); coding-DNA position 1958, G replaced by A.
Protein change: p.Arg653His; replaces arginine 653 with histidine.
Molecular consequence: missense variant. On other transcripts: 3 prime UTR variant (1).
Genome position (GRCh38, 1-based): chr16:3,243,529, C>T on the plus strand (G>A on the coding strand, the complement: MEFV is on the minus strand). VCF-style: chr16-3243529-C-T. GRCh37 (hg19) VCF-style: chr16-3293529-C-T.
Other names: R653H; c.*162G>A (NM_001198536.2).
Identifiers: ClinVar variation 2553 (VCV000002553.30), dbSNP rs104895085, ClinGen allele CA280118.